The following is an entry in ClinVar:

NM_001135998.3(NDUFB11):c.250G>A (p.Val84Ile)

Gene: NDUFB11 (NADH:ubiquinone oxidoreductase subunit B11; minus strand). Cytogenetic location: Xp11.3.
Variant type: single nucleotide variant.
Coding change: c.250G>A on transcript NM_001135998.3 (MANE Select); coding-DNA position 250, G replaced by A.
Protein change: p.Val84Ile; replaces valine 84 with isoleucine.
Molecular consequence: missense variant.
Genome position (GRCh38, 1-based): chrX:47,142,702, C>T on the plus strand (G>A on the coding strand, the complement: NDUFB11 is on the minus strand). VCF-style: chrX-47142702-C-T. GRCh37 (hg19) VCF-style: chrX-47002101-C-T.
Other names: c.250G>A, p.Val84Ile (NM_019056.7); short protein forms V84I.
Identifiers: ClinVar variation 703984 (VCV000703984.36), dbSNP rs186469464, ClinGen allele CA10394919.

ClinVar aggregate classification (germline): Benign/Likely benign. Review status: criteria provided, multiple submitters, no conflicts (2 of 4 stars). 3 submissions from 3 submitters: Benign (1); Likely benign (2). Last evaluated 2025-12-29.

Allele frequency attached by ClinVar (database versions not stated): ESP Exome Variant Server 0.00009; gnomAD exomes 0.00012 and 0.00023; ExAC 0.00020; gnomAD 0.00020; TOPMed 0.00026; 1000 Genomes Project 30x 0.00042; 1000 Genomes Project 0.00053.

Submissions (3):

Labcorp Genetics (formerly Invitae), Labcorp
Classification: Benign. Last evaluated: 2025-12-29. Review status: criteria provided, single submitter. Criteria: Invitae Variant Classification Sherloc (09022015). Collection method: clinical testing. Allele origin: germline.

Blueprint Genetics
Classification: Likely benign. Last evaluated: 2024-11-20. Review status: criteria provided, single submitter. Criteria: ACMG Guidelines, 2015. Collection method: clinical testing. Allele origin: germline.

CeGaT Center for Human Genetics Tuebingen
Classification: Likely benign. Last evaluated: 2022-10-01. Review status: criteria provided, single submitter. Criteria: CeGaT Center For Human Genetics Tuebingen Variant Classification Criteria Version 2. Collection method: clinical testing. Allele origin: germline. Affected: yes. Observed: 1 variant allele.
Comment: NDUFB11: BP4, BS2